The following is an entry in ClinVar:

NM_031935.3(HMCN1):c.8522A>C (p.Glu2841Ala)

Gene: HMCN1 (hemicentin 1; plus strand). Cytogenetic location: 1q31.1.
Variant type: single nucleotide variant.
Coding change: c.8522A>C on transcript NM_031935.3 (MANE Select); coding-DNA position 8522, A replaced by C.
Protein change: p.Glu2841Ala; replaces glutamic acid 2841 with alanine.
Molecular consequence: missense variant.
Genome position (GRCh38, 1-based): chr1:186,078,143, A>C. VCF-style: chr1-186078143-A-C. GRCh37 (hg19) VCF-style: chr1-186047275-A-C.
Other names: short protein forms E2841A.
Identifiers: ClinVar variation 4710951 (VCV004710951.1).

ClinVar aggregate classification (germline): Uncertain significance (1 of 4 stars; one submission).

gnomAD v4.1: 1 of 1,613,720 alleles (0.000062%); highest among the groups gnomAD compares: African/African-American, 0.0013%; no homozygotes.

Submission:

Labcorp Genetics (formerly Invitae), Labcorp
Classification: Uncertain significance. Last evaluated: 2025-05-26. Review status: criteria provided, single submitter. Criteria: Invitae Variant Classification Sherloc (09022015). Collection method: clinical testing. Allele origin: germline.
Comment: This sequence change replaces glutamic acid, which is acidic and polar, with alanine, which is neutral and non-polar, at codon 2841 of the HMCN1 protein (p.Glu2841Ala). This variant is not present in population databases (gnomAD no frequency). This variant has not been reported in the literature in individuals affected with HMCN1-related conditions. An algorithm developed to predict the effect of missense changes on protein structure and function (PolyPhen-2) suggests that this variant is likely to be disruptive. In summary, the available evidence is currently insufficient to determine the role of this variant in disease. Therefore, it has been classified as a Variant of Uncertain Significance.